The following is an entry in ClinVar:

ClinVar aggregate classification (germline): Benign/Likely benign. Review status: criteria provided, multiple submitters, no conflicts (2 of 4 stars). 4 submissions from 4 submitters: Benign (1); Likely benign (3). Last evaluated 2025-06-30.

Conditions:
Hereditary cancer-predisposing syndrome. Also called: Neoplastic Syndromes, Hereditary; Tumor predisposition; Hereditary Cancer Syndrome; Hereditary neoplastic syndrome. Identifiers: Orphanet 140162, MedGen C0027672, MeSH D009386, MONDO:0015356.
Familial cancer of breast. Also called: BREAST CANCER, FAMILIAL; hereditary breast carcinoma; Hereditary breast cancer. Identifiers: Orphanet 227535, MedGen C0346153, MONDO:0016419, OMIM 114480. Disease mechanism: loss of function.

Allele frequency attached by ClinVar (database versions not stated): gnomAD exomes below 0.00001.
gnomAD v4.1: 1 of 1,614,008 alleles (0.000062%); highest among the groups gnomAD compares: Non-Finnish European, 0.000085%; no homozygotes.

Submissions (4):

Labcorp Genetics (formerly Invitae), Labcorp
Classification: Likely benign for Familial cancer of breast. Last evaluated: 2025-06-30. Review status: criteria provided, single submitter. Criteria: Invitae Variant Classification Sherloc (09022015). Collection method: clinical testing. Allele origin: germline.

Myriad Genetics, Inc.
Classification: Benign for Familial cancer of breast. Last evaluated: 2024-10-04. Review status: criteria provided, single submitter. Criteria: Myriad Autosomal Dominant, Autosomal Recessive and X-Linked Classification Criteria (2023). Collection method: clinical testing. Allele origin: unknown.
Comment: This variant is considered benign. This variant is a silent/synonymous amino acid change and it is not expected to impact splicing.

Color Diagnostics, LLC DBA Color Health
Classification: Likely benign for Hereditary cancer-predisposing syndrome. Last evaluated: 2019-10-09. Review status: criteria provided, single submitter. Criteria: ACMG Guidelines, 2015. Collection method: clinical testing. Allele origin: germline.

Ambry Genetics
Classification: Likely benign for Hereditary cancer-predisposing syndrome. Last evaluated: 2015-06-11. Review status: criteria provided, single submitter. Criteria: Ambry Variant Classification Scheme 2023. Collection method: clinical testing. Allele origin: germline.

NM_007194.4(CHEK2):c.945G>T (p.Gly315=)

Gene: CHEK2 (checkpoint kinase 2; minus strand). Cytogenetic location: 22q12.1.
Variant type: single nucleotide variant.
Coding change: c.945G>T on transcript NM_007194.4 (MANE Select); coding-DNA position 945, G replaced by T.
Protein change: p.Gly315=; no amino-acid change (glycine 315 retained).
Molecular consequence: synonymous variant.
Genome position (GRCh38, 1-based): chr22:28,699,901, C>A on the plus strand (G>T on the coding strand, the complement: CHEK2 is on the minus strand). VCF-style: chr22-28699901-C-A. GRCh37 (hg19) VCF-style: chr22-29095889-C-A.
Other names: c.1074G>T, p.Gly358= (NM_001005735.3); c.282G>T, p.Gly94= (NM_001257387.3); c.744G>T, p.Gly248= (NM_001349956.3); c.945G>T, p.Gly315= (NM_145862.3).
Identifiers: ClinVar variation 232348 (VCV000232348.19), dbSNP rs876659711, ClinGen allele CA10581060.
Genomic context (GRCh38, chr22:28,699,901, plus strand): 5'-CACAGCCAAGAGCATCTGGTAAAAATAGAGCTTGCAGGTAGCTTCTTTCAGGCGTTTATT[C>A]CCCACCACTTTGTCAAACAGCTCTCCCCCTTCCATCCTGAAACACAAAGGCAAGGCAAGG-3'
Protein context (NP_009125.1, residues 305-325): EGGELFDKVV[Gly315=]NKRLKEATCK